The following is an entry in ClinVar:

ClinVar aggregate classification (germline): Uncertain significance. Review status: criteria provided, multiple submitters, no conflicts (2 of 4 stars). 2 submissions from 2 submitters: Uncertain significance (2). Last evaluated 2025-05-01.

Conditions:
Myoclonic dystonia 11 (DYT11). Also called: DYT-SGCE; Myoclonic dystonia; Dystonia 11; Dystonia, alcohol responsive; Hereditary essential myoclonus; SGCE Myoclonus-Dystonia. Identifiers: Orphanet 36899, MedGen C1834570, MONDO:0008044, OMIM 159900.

Allele frequency attached by ClinVar (database versions not stated): gnomAD exomes below 0.00001.
gnomAD v4.1: 1 of 1,613,618 alleles (0.000062%); highest among the groups gnomAD compares: Non-Finnish European, 0.000085%; no homozygotes.

Submissions (2):

Revvity Omics, Revvity
Classification: Uncertain significance for Myoclonic dystonia 11. Last evaluated: 2025-05-01. Review status: criteria provided, single submitter. Criteria: ACMG Guidelines, 2015. Collection method: clinical testing. Allele origin: germline.

Labcorp Genetics (formerly Invitae), Labcorp
Classification: Uncertain significance for Myoclonic dystonia 11. Last evaluated: 2020-01-30. Review status: criteria provided, single submitter. Criteria: Invitae Variant Classification Sherloc (09022015). Collection method: clinical testing. Allele origin: germline.
Comment: This variant is not present in population databases (ExAC no frequency). This sequence change replaces methionine with threonine at codon 339 of the SGCE protein (p.Met339Thr). The methionine residue is highly conserved and there is a moderate physicochemical difference between methionine and threonine. This variant has not been reported in the literature in individuals with SGCE-related conditions. In summary, the available evidence is currently insufficient to determine the role of this variant in disease. Therefore, it has been classified as a Variant of Uncertain Significance. Algorithms developed to predict the effect of missense changes on protein structure and function are either unavailable or do not agree on the potential impact of this missense change (SIFT: "Deleterious"; PolyPhen-2: "Probably Damaging"; Align-GVGD: "Class C0").

NM_003919.3(SGCE):c.1016T>C (p.Met339Thr)

Genes: CASD1 (CAS1 domain sialic acid O acetyltransferase 1; plus strand), SGCE (sarcoglycan epsilon; minus strand). Cytogenetic location: 7q21.3.
Variant type: single nucleotide variant.
Coding change: c.1016T>C on transcript NM_003919.3 (MANE Select); coding-DNA position 1016, T replaced by C.
Protein change: p.Met339Thr; replaces methionine 339 with threonine.
Molecular consequence: missense variant.
Genome position (GRCh38, 1-based): chr7:94,600,667, A>G on the plus strand (T>C on the coding strand, the complement: SGCE is on the minus strand). VCF-style: chr7-94600667-A-G. GRCh37 (hg19) VCF-style: chr7-94229979-A-G.
Other names: c.929T>C, p.Met310Thr (NM_001346719.2, NM_001362807.2); c.743T>C, p.Met248Thr (NM_001346720.2, NM_001362808.2); c.893T>C, p.Met298Thr (NM_001362809.2, NM_001301139.2); c.1016T>C, p.Met339Thr (NM_001099400.2, NM_001099401.2, NM_001346717.2); c.1124T>C, p.Met375Thr (NM_001346713.2, NM_001346715.2); short protein forms M248T, M298T, M310T, M339T, M375T.
Identifiers: ClinVar variation 1056714 (VCV001056714.10), dbSNP rs1468730105, ClinGen allele CA368230455.